The following is an entry in ClinVar:

ClinVar aggregate classification (germline): Uncertain significance (1 of 4 stars; one submission).

Conditions:
Familial cold autoinflammatory syndrome 2 (FCAS2). Identifiers: Orphanet 247868, MedGen C2673198, MONDO:0012724, OMIM 611762.

Allele frequency attached by ClinVar (database versions not stated): gnomAD exomes below 0.00001 and 0.00001; ExAC 0.00001.
gnomAD v4.1: 5 of 1,614,152 alleles (0.00031%); highest among the groups gnomAD compares: South Asian, 0.0055%; no homozygotes.

Submission:

Labcorp Genetics (formerly Invitae), Labcorp
Classification: Uncertain significance for Familial cold autoinflammatory syndrome 2. Last evaluated: 2020-05-13. Review status: criteria provided, single submitter. Criteria: Invitae Variant Classification Sherloc (09022015). Collection method: clinical testing. Allele origin: germline.
Comment: In summary, the available evidence is currently insufficient to determine the role of this variant in disease. Therefore, it has been classified as a Variant of Uncertain Significance. Algorithms developed to predict the effect of missense changes on protein structure and function are either unavailable or do not agree on the potential impact of this missense change (SIFT: "Deleterious"; PolyPhen-2: "Probably Damaging"; Align-GVGD: "Class C0"). This variant has not been reported in the literature in individuals with NLRP12-related conditions. This variant is present in population databases (rs777944221, ExAC 0.006%). This sequence change replaces valine with isoleucine at codon 151 of the NLRP12 protein (p.Val151Ile). The valine residue is highly conserved and there is a small physicochemical difference between valine and isoleucine.

NM_144687.4(NLRP12):c.451G>A (p.Val151Ile)

Gene: NLRP12 (NLR family pyrin domain containing 12; minus strand). Cytogenetic location: 19q13.42.
Variant type: single nucleotide variant.
Coding change: c.451G>A on transcript NM_144687.4 (MANE Select); coding-DNA position 451, G replaced by A.
Protein change: p.Val151Ile; replaces valine 151 with isoleucine.
Molecular consequence: missense variant.
Genome position (GRCh38, 1-based): chr19:53,811,208, C>T on the plus strand (G>A on the coding strand, the complement: NLRP12 is on the minus strand). VCF-style: chr19-53811208-C-T. GRCh37 (hg19) VCF-style: chr19-54314462-C-T.
Other names: c.451G>A, p.Val151Ile (NM_001277126.2, NM_001277129.1); short protein forms V151I.
Identifiers: ClinVar variation 1027223 (VCV001027223.8), dbSNP rs777944221, ClinGen allele CA9639702.